The following is an entry in ClinVar:

NM_016203.4(PRKAG2):c.531G>T (p.Leu177=)

Gene: PRKAG2 (protein kinase AMP-activated non-catalytic subunit gamma 2; minus strand). Cytogenetic location: 7q36.1.
Variant type: single nucleotide variant.
Coding change: c.531G>T on transcript NM_016203.4 (MANE Select); coding-DNA position 531, G replaced by T.
Protein change: p.Leu177=; no amino-acid change (leucine 177 retained).
Molecular consequence: synonymous variant.
Genome position (GRCh38, 1-based): chr7:151,675,573, C>A on the plus strand (G>T on the coding strand, the complement: PRKAG2 is on the minus strand). VCF-style: chr7-151675573-C-A. GRCh37 (hg19) VCF-style: chr7-151372659-C-A.
Other names: c.399G>T, p.Leu133= (NM_001040633.2); c.159G>T, p.Leu53= (NM_001304527.2, NM_001363698.2).
Identifiers: ClinVar variation 45722 (VCV000045722.36), dbSNP rs373000537, ClinGen allele CA014308.

ClinVar aggregate classification (germline): Benign/Likely benign. Review status: criteria provided, multiple submitters, no conflicts (2 of 4 stars). 14 submissions from 14 submitters: Benign (6); Likely benign (5). 3 of the submissions do not count toward it. Last evaluated 2026-02-01.

Conditions:
Cardiovascular phenotype. Identifiers: MedGen CN230736.
Cardiomyopathy (CMYO). Also called: Cardiomyopathies. Identifiers: Orphanet 167848, MedGen C0878544, MONDO:0004994, HP:0001638. Inheritance: Various modes of inheritance.
Lethal congenital glycogen storage disease of heart. Also called: GLYCOGEN STORAGE DISEASE OF HEART; PHOSPHORYLASE KINASE DEFICIENCY OF HEART. Identifiers: Orphanet 439854, MedGen C1849813, MONDO:0009867, OMIM 261740.
Hypertrophic cardiomyopathy. Also called: HYPERTROPHIC MYOCARDIOPATHY. Identifiers: Orphanet 217569, MedGen C0007194, MeSH D002312, MONDO:0005045, HP:0001639.

Allele frequency attached by ClinVar (database versions not stated): gnomAD 0.00001 and 0.00031; TOPMed 0.00004; gnomAD exomes 0.00048 and 0.00103; ExAC 0.00125; 1000 Genomes Project 0.00280; 1000 Genomes Project 30x 0.00281.
gnomAD v4.1: 757 of 1,614,154 alleles (0.047%); highest among the groups gnomAD compares: South Asian, 0.76%; 11 homozygotes.

Submissions (14):

CeGaT Center for Human Genetics Tuebingen
Classification: Likely benign. Last evaluated: 2026-02-01. Review status: criteria provided, single submitter. Criteria: CeGaT Center For Human Genetics Tuebingen Variant Classification Criteria Version 2. Collection method: clinical testing. Allele origin: germline. Affected: yes. Observed: 1 variant allele.
Comment: PRKAG2: BP4, BP7

Labcorp Genetics (formerly Invitae), Labcorp
Classification: Benign for Lethal congenital glycogen storage disease of heart. Last evaluated: 2026-01-15. Review status: criteria provided, single submitter. Criteria: Invitae Variant Classification Sherloc (09022015). Collection method: clinical testing. Allele origin: germline.

Molecular Diagnostic Laboratory for Inherited Cardiovascular Disease, Montreal Heart Institute
Classification: Benign. Last evaluated: 2025-04-09. Review status: criteria provided, single submitter. Criteria: ACMG Guidelines, 2015. Collection method: clinical testing. Allele origin: germline. Affected: no.
Comment: BS1;BP6;BP7

Blueprint Genetics
Classification: Likely benign. Last evaluated: 2024-11-25. Review status: criteria provided, single submitter. Criteria: ACMG Guidelines, 2015. Collection method: clinical testing. Allele origin: germline.

ARUP Laboratories, Molecular Genetics and Genomics, ARUP Laboratories
Classification: Benign. Last evaluated: 2024-07-10. Review status: criteria provided, single submitter. Criteria: ARUP Molecular Germline Variant Investigation Process 2024. Collection method: clinical testing. Allele origin: germline.

All of Us Research Program, National Institutes of Health
Classification: Likely benign for Hypertrophic cardiomyopathy. Last evaluated: 2024-01-11. Review status: criteria provided, single submitter. Criteria: ACMG Guidelines, 2015. Collection method: clinical testing. Allele origin: germline. Inheritance: Autosomal dominant inheritance. Observed: 24 variant alleles, 24 heterozygotes.
Comment: This study involves interpretation of variants in research participants for the purpose of population health screening. Participant phenotype was not available at the time of variant classification. Additional details can be found in publication PMID: 35346344, PMCID: PMC8962531

Ambry Genetics
Classification: Benign for Cardiovascular phenotype. Last evaluated: 2022-01-13. Review status: criteria provided, single submitter. Criteria: Ambry Variant Classification Scheme 2023. Collection method: clinical testing. Allele origin: germline.

Color Diagnostics, LLC DBA Color Health
Classification: Likely benign for Cardiomyopathy. Last evaluated: 2018-03-08. Review status: criteria provided, single submitter. Criteria: ACMG Guidelines, 2015. Collection method: clinical testing. Allele origin: germline.

CHEO Genetics Diagnostic Laboratory, Children's Hospital of Eastern Ontario
Classification: Benign for Cardiomyopathy. Last evaluated: 2017-09-19. Review status: criteria provided, single submitter. Criteria: ACMG Guidelines, 2015. Collection method: clinical testing. Allele origin: germline. Study: Canadian Open Genetics Repository.

GeneDx
Classification: Benign. Last evaluated: 2015-03-03. Review status: criteria provided, single submitter. Criteria: GeneDx Variant Classification Process June 2021. Collection method: clinical testing. Allele origin: germline. Affected: yes.

Laboratory for Molecular Medicine, Mass General Brigham Personalized Medicine
Classification: Likely benign. Last evaluated: 2008-01-24. Review status: criteria provided, single submitter. Criteria: LMM Criteria. Collection method: clinical testing. Allele origin: germline. Observed: 3 variant alleles.

Clinical Genetics DNA and cytogenetics Diagnostics Lab, Erasmus MC, Erasmus Medical Center
Classification: Likely benign. Review status: no assertion criteria provided. Collection method: clinical testing. Allele origin: germline. Affected: yes. Study: VKGL Data-share Consensus. Not counted in ClinVar's aggregate classification.

Clinical Genetics, Academic Medical Center
Classification: Benign. Review status: no assertion criteria provided. Collection method: clinical testing. Allele origin: germline. Affected: yes. Study: VKGL Data-share Consensus. Not counted in ClinVar's aggregate classification.

Joint Genome Diagnostic Labs from Nijmegen and Maastricht, Radboudumc and MUMC+
Classification: Likely benign. Review status: no assertion criteria provided. Collection method: clinical testing. Allele origin: germline. Affected: yes. Study: VKGL Data-share Consensus. Not counted in ClinVar's aggregate classification.